The following is an entry in ClinVar:

ClinVar aggregate classification (germline): Pathogenic (1 of 4 stars; one submission).

Conditions:
Hypertrophic cardiomyopathy. Also called: HYPERTROPHIC MYOCARDIOPATHY. Identifiers: Orphanet 217569, MedGen C0007194, MeSH D002312, MONDO:0005045, HP:0001639.

Submission:

Labcorp Genetics (formerly Invitae), Labcorp
Classification: Pathogenic for Hypertrophic cardiomyopathy. Last evaluated: 2022-06-13. Review status: criteria provided, single submitter. Criteria: Invitae Variant Classification Sherloc (09022015). Collection method: clinical testing. Allele origin: germline.
Comment: For these reasons, this variant has been classified as Pathogenic. This variant has not been reported in the literature in individuals affected with MYBPC3-related conditions. This variant is not present in population databases (gnomAD no frequency). This sequence change creates a premature translational stop signal (p.Asp732Alafs*22) in the MYBPC3 gene. It is expected to result in an absent or disrupted protein product. Loss-of-function variants in MYBPC3 are known to be pathogenic (PMID: 19574547).

Literature cited by the submitters: PubMed 19574547.

NM_000256.3(MYBPC3):c.2195del (p.Asp732fs)

Gene: MYBPC3 (myosin binding protein C3; minus strand). Cytogenetic location: 11p11.2.
Variant type: Deletion.
Coding change: c.2195del on transcript NM_000256.3 (MANE Select); coding-DNA position 2195, one base deleted (A; older notation c.2195delA).
Protein change: p.Asp732fs; shifts the reading frame from aspartic acid 732.
Molecular consequence: frameshift variant.
Genome position (GRCh38, 1-based): chr11:47,338,633, T deleted on the plus strand (A on the coding strand, the reverse complement: MYBPC3 is on the minus strand). VCF-style (leftmost placement, unchanged base first): chr11-47338632-GT-G. GRCh37 (hg19) VCF-style: chr11-47360183-GT-G.
Other names: short protein forms D732fs.
Identifiers: ClinVar variation 2005925 (VCV002005925.4), dbSNP rs2495752548, ClinGen allele CA2580084170.